The following is an entry in ClinVar:

ClinVar aggregate classification (germline): Uncertain significance (1 of 4 stars; one submission).

Conditions:
Von Hippel-Lindau syndrome (VHLS). Also called: Von Hippel-Lindau; von Hippel–Lindau syndrome; VHL syndrome. Identifiers: Orphanet 892, MedGen C0019562, MONDO:0008667, OMIM 193300. Disease mechanism: loss of function.

Submission:

All of Us Research Program, National Institutes of Health
Classification: Uncertain significance for Von Hippel-Lindau syndrome. Last evaluated: 2023-05-23. Review status: criteria provided, single submitter. Criteria: ACMG Guidelines, 2015. Collection method: clinical testing. Allele origin: germline. Inheritance: Autosomal dominant inheritance. Observed: 1 variant allele, 1 heterozygote.
Comment: This study involves interpretation of variants in research participants for the purpose of population health screening. Participant phenotype was not available at the time of variant classification. Additional details can be found in publication PMID: 35346344, PMCID: PMC8962531

NM_000551.4(VHL):c.4_5insTCCG (p.Pro2fs)

Gene: VHL (von Hippel-Lindau tumor suppressor; plus strand). Cytogenetic location: 3p25.3.
Variant type: Insertion.
Coding change: c.4_5insTCCG on transcript NM_000551.4 (MANE Select); coding-DNA positions 4 to 5, TCCG inserted.
Protein change: p.Pro2fs; shifts the reading frame from proline 2.
Molecular consequence: frameshift variant. On other transcripts: non-coding transcript variant (1).
Genome position: GRCh38 VCF-style: chr3-10141851-C-CTCCG. GRCh37 (hg19) VCF-style: chr3-10183535-C-CTCCG.
Other names: c.4_5insTCCG, p.Pro2fs (NM_001354723.2, NM_198156.3); short protein forms P2fs.
Identifiers: ClinVar variation 3071393 (VCV003071393.1), dbSNP rs2470156948, ClinGen allele CA2825001163.